The following is an entry in ClinVar:

NM_001082486.2(ACD):c.361G>C (p.Asp121His)

Gene: ACD (ACD shelterin complex subunit and telomerase recruitment factor; minus strand). Cytogenetic location: 16q22.1.
Variant type: single nucleotide variant.
Coding change: c.361G>C on transcript NM_001082486.2 (MANE Select); coding-DNA position 361, G replaced by C.
Protein change: p.Asp121His; replaces aspartic acid 121 with histidine.
Molecular consequence: missense variant.
Genome position (GRCh38, 1-based): chr16:67,659,589, C>G on the plus strand (G>C on the coding strand, the complement: ACD is on the minus strand). VCF-style: chr16-67659589-C-G. GRCh37 (hg19) VCF-style: chr16-67693492-C-G.
Other names: c.361G>C, p.Asp121His (NM_001410884.1); c.352G>C, p.Asp118His (NM_022914.3); short protein forms D118H, D121H.
Identifiers: ClinVar variation 1752157 (VCV001752157.7), dbSNP rs771131495, ClinGen allele CA8114727.

ClinVar aggregate classification (germline): Uncertain significance. Review status: criteria provided, multiple submitters, no conflicts (2 of 4 stars). 2 submissions from 2 submitters: Uncertain significance (2). Last evaluated 2024-03-14.

Conditions:
Inborn genetic diseases. Identifiers: MedGen C0950123, MeSH D030342.
Dyskeratosis congenita, autosomal dominant 6 (DKCA6). Identifiers: Orphanet 3322, MedGen C4225284, MONDO:0014690, OMIM 616553.

Allele frequency attached by ClinVar (database versions not stated): gnomAD 0.00001; TOPMed 0.00001; ExAC 0.00002.
gnomAD v4.1: 3 of 1,613,376 alleles (0.00019%); highest among the groups gnomAD compares: Non-Finnish European, 0.00025%; no homozygotes.

Submissions (2):

Ambry Genetics
Classification: Uncertain significance for Inborn genetic diseases. Last evaluated: 2024-03-14. Review status: criteria provided, single submitter. Criteria: Ambry Variant Classification Scheme 2023. Collection method: clinical testing. Allele origin: germline.
Comment: The p.D207H variant (also known as c.619G>C), located in coding exon 4 of the ACD gene, results from a G to C substitution at nucleotide position 619. The aspartic acid at codon 207 is replaced by histidine, an amino acid with similar properties. This amino acid position is conserved. In addition, this alteration is predicted to be tolerated by in silico analysis. Since supporting evidence is limited at this time, the clinical significance of this alteration remains unclear.

Labcorp Genetics (formerly Invitae), Labcorp
Classification: Uncertain significance for Dyskeratosis congenita, autosomal dominant 6. Last evaluated: 2022-12-07. Review status: criteria provided, single submitter. Criteria: Invitae Variant Classification Sherloc (09022015). Collection method: clinical testing. Allele origin: germline.
Comment: In summary, the available evidence is currently insufficient to determine the role of this variant in disease. Therefore, it has been classified as a Variant of Uncertain Significance. Advanced modeling of protein sequence and biophysical properties (such as structural, functional, and spatial information, amino acid conservation, physicochemical variation, residue mobility, and thermodynamic stability) performed at Invitae indicates that this missense variant is not expected to disrupt ACD protein function. ClinVar contains an entry for this variant (Variation ID: 1752157). This variant has not been reported in the literature in individuals affected with ACD-related conditions. This variant is present in population databases (rs771131495, gnomAD 0.0009%). This sequence change replaces aspartic acid, which is acidic and polar, with histidine, which is basic and polar, at codon 207 of the ACD protein (p.Asp207His).